The following is an entry in ClinVar:

NM_001160148.2(DDHD1):c.159C>T (p.Asp53=)

Gene: DDHD1 (DDHD domain containing 1; minus strand). Cytogenetic location: 14q22.1.
Variant type: single nucleotide variant.
Coding change: c.159C>T on transcript NM_001160148.2 (MANE Select); coding-DNA position 159, C replaced by T.
Protein change: p.Asp53=; no amino-acid change (aspartic acid 53 retained).
Molecular consequence: synonymous variant.
Genome position (GRCh38, 1-based): chr14:53,152,940, G>A on the plus strand (C>T on the coding strand, the complement: DDHD1 is on the minus strand). VCF-style: chr14-53152940-G-A. GRCh37 (hg19) VCF-style: chr14-53619658-G-A.
Other names: c.159C>T, p.Asp53= (NM_001160147.2, NM_030637.3).
Identifiers: ClinVar variation 391433 (VCV000391433.1), dbSNP rs779599524, ClinGen allele CA7191575.

ClinVar aggregate classification (germline): Likely benign (1 of 4 stars; one submission).

Allele frequency attached by ClinVar (database versions not stated): gnomAD exomes below 0.00001; TOPMed below 0.00001; ExAC 0.00003.
gnomAD v4.1: 4 of 1,597,284 alleles (0.00025%); highest among the groups gnomAD compares: East Asian, 0.0069%; no homozygotes.

Submission:

GeneDx
Classification: Likely benign. Last evaluated: 2016-12-13. Review status: criteria provided, single submitter. Criteria: GeneDx Variant Classification (06012015). Collection method: clinical testing. Allele origin: germline. Affected: yes.
Comment: This variant is considered likely benign or benign based on one or more of the following criteria: it is a conservative change, it occurs at a poorly conserved position in the protein, it is predicted to be benign by multiple in silico algorithms, and/or has population frequency not consistent with disease.